The following is an entry in ClinVar:

ClinVar aggregate classification (germline): Uncertain significance (1 of 4 stars; one submission).

Submission:

GeneDx
Classification: Uncertain significance. Last evaluated: 2024-06-26. Review status: criteria provided, single submitter. Criteria: GeneDx Variant Classification Process June 2021. Collection method: clinical testing. Allele origin: germline. Affected: yes.
Comment: Not observed at significant frequency in large population cohorts (gnomAD); In silico analysis supports that this missense variant has a deleterious effect on protein structure/function; Has not been previously published as pathogenic or benign to our knowledge; This variant is associated with the following publications: (PMID: 20300201)

NM_139058.3(ARX):c.259C>T (p.Arg87Cys)

Gene: ARX (aristaless related homeobox; minus strand). Cytogenetic location: Xp21.3.
Variant type: single nucleotide variant.
Coding change: c.259C>T on transcript NM_139058.3 (MANE Select); coding-DNA position 259, C replaced by T.
Protein change: p.Arg87Cys; replaces arginine 87 with cysteine.
Molecular consequence: missense variant.
Genome position (GRCh38, 1-based): chrX:25,013,736, G>A on the plus strand (C>T on the coding strand, the complement: ARX is on the minus strand). VCF-style: chrX-25013736-G-A. GRCh37 (hg19) VCF-style: chrX-25031853-G-A.
Other names: short protein forms R87C.
Identifiers: ClinVar variation 3392937 (VCV003392937.1).
Genomic context (GRCh38, chrX:25,013,736, plus strand): 5'-CCGCCGCCGCCGCCGCTGCCGCACCCTGAAGGAGGCGGCCCCCGCCCGGGCCGTACAGGC[G>A]CCGCAGCTTGGGCGGCAGGTGCAGCTCGGCCTCGAACGGGGCGCTGCTGCTCTTAGGGGA-3'
Protein context (NP_620689.1, residues 77-97): AELHLPPKLR[Arg87Cys]LYGPGGGRLL